The following is an entry in ClinVar:

ClinVar aggregate classification (germline): Uncertain significance. Review status: criteria provided, multiple submitters, no conflicts (2 of 4 stars). 5 submissions from 5 submitters: Uncertain significance (5). Last evaluated 2025-05-16.

Conditions:
Combined oxidative phosphorylation defect type 27. Also called: Combined oxidative phosphorylation deficiency 27. Identifiers: Orphanet 477774, MedGen C5567608, MONDO:0014728, OMIM 616672.
Inborn genetic diseases. Identifiers: MedGen C0950123, MeSH D030342.

Allele frequency attached by ClinVar (database versions not stated): ExAC below 0.00001; gnomAD exomes 0.00004; TOPMed 0.00006; gnomAD 0.00008.
gnomAD v4.1: 67 of 1,550,150 alleles (0.0043%); highest among the groups gnomAD compares: East Asian, 0.032%; 1 homozygote.

Submissions (5):

Labcorp Genetics (formerly Invitae), Labcorp
Classification: Uncertain significance for Combined oxidative phosphorylation defect type 27. Last evaluated: 2025-05-16. Review status: criteria provided, single submitter. Criteria: Invitae Variant Classification Sherloc (09022015). Collection method: clinical testing. Allele origin: germline.
Comment: This sequence change replaces glycine, which is neutral and non-polar, with serine, which is neutral and polar, at codon 537 of the CARS2 protein (p.Gly537Ser). This variant is present in population databases (rs777503937, gnomAD 0.02%). This variant has not been reported in the literature in individuals affected with CARS2-related conditions. ClinVar contains an entry for this variant (Variation ID: 949962). Invitae Evidence Modeling of protein sequence and biophysical properties (such as structural, functional, and spatial information, amino acid conservation, physicochemical variation, residue mobility, and thermodynamic stability) indicates that this missense variant is not expected to disrupt CARS2 protein function with a negative predictive value of 80%. In summary, the available evidence is currently insufficient to determine the role of this variant in disease. Therefore, it has been classified as a Variant of Uncertain Significance.

Ambry Genetics
Classification: Uncertain significance for Inborn genetic diseases. Last evaluated: 2024-03-18. Review status: criteria provided, single submitter. Criteria: Ambry Variant Classification Scheme 2023. Collection method: clinical testing. Allele origin: germline.

GeneDx
Classification: Uncertain significance. Last evaluated: 2022-10-13. Review status: criteria provided, single submitter. Criteria: GeneDx Variant Classification Process June 2021. Collection method: clinical testing. Allele origin: germline. Affected: yes.
Comment: In silico analysis supports that this missense variant has a deleterious effect on protein structure/function; Has not been previously published as pathogenic or benign to our knowledge

Fulgent Genetics
Classification: Uncertain significance for Combined oxidative phosphorylation defect type 27. Last evaluated: 2022-04-06. Review status: criteria provided, single submitter. Criteria: ACMG Guidelines, 2015. Collection method: clinical testing. Allele origin: unknown.

Breakthrough Genomics
Classification: Uncertain significance. Review status: criteria provided, single submitter. Criteria: ACMG Guidelines, 2015. Collection method: not provided. Allele origin: germline. Inheritance: Autosomal recessive inheritance. Affected: yes.

NM_024537.4(CARS2):c.1609G>A (p.Gly537Ser)

Gene: CARS2 (cysteinyl-tRNA synthetase 2, mitochondrial; minus strand). Cytogenetic location: 13q34.
Variant type: single nucleotide variant.
Coding change: c.1609G>A on transcript NM_024537.4 (MANE Select); coding-DNA position 1609, G replaced by A.
Protein change: p.Gly537Ser; replaces glycine 537 with serine.
Molecular consequence: missense variant. On other transcripts: non-coding transcript variant (2).
Genome position (GRCh38, 1-based): chr13:110,642,329, C>T on the plus strand (G>A on the coding strand, the complement: CARS2 is on the minus strand). VCF-style: chr13-110642329-C-T. GRCh37 (hg19) VCF-style: chr13-111294676-C-T.
Other names: c.823G>A, p.Gly275Ser (NM_001352252.2); c.1609G>A (NM_024537.2); short protein forms G537S, G275S.
Identifiers: ClinVar variation 949962 (VCV000949962.10), dbSNP rs777503937, ClinGen allele CA7051593.